The following is an entry in ClinVar:

ClinVar aggregate classification (germline): Pathogenic. Review status: criteria provided, multiple submitters, no conflicts (2 of 4 stars). 6 submissions from 6 submitters: Pathogenic (4). 2 of the submissions do not count toward it. Last evaluated 2025-11-08.

Conditions:
LMNA-related disorder. Also called: LMNA-related condition; LMNA-related disease; LMNA-related disorders. Identifiers: MedGen CN380145.
Charcot-Marie-Tooth disease type 2. Also called: Charcot-Marie-Tooth type 2. Identifiers: Orphanet 64746, MedGen C0270914, MONDO:0018993.
Congenital muscular dystrophy due to LMNA mutation. Also called: Congenital muscular dystrophy, LMNA-related; Lamin A-related Congenital Muscular Dystrophy. Identifiers: Orphanet 157973, MedGen C2750785, MONDO:0013178, OMIM 613205.

Submissions (6):

Rady Children's Institute for Genomic Medicine, Rady Children's Hospital San Diego
Classification: Pathogenic for LMNA-related disorders. Last evaluated: 2025-11-08. Review status: criteria provided, single submitter. Criteria: ACMG Guidelines, 2015. Collection method: clinical testing. Allele origin: germline. Affected: yes.
Comment: This three-base pair in-frame deletion variant found in exon one of twelve and leads to the loss of one amino acid residue but preserves the reading frame. This is a known Pathogenic variant that has been previously reported as a de novo and/or heterozygous change in patients with muscular dystrophy and inflammatory myopathy (PMID: 20980393, 24806962, 26098624). Functional studies have shown that the c.94_96del (p.Lys32del) variant impairs organization of lamin filaments and their interactions with emerin (PMID: 21653823, 24806962). The c.94_96del (p.Lys32del) variant is absent from the latest version of the gnomAD population database and thus is presumed to be rare. Based on parental analysis, this variant likely occurred as a de novo event. Based on the available evidence, c.94_96del (p.Lys32del) is classified as Pathogenic.

Labcorp Genetics (formerly Invitae), Labcorp
Classification: Pathogenic for Charcot-Marie-Tooth disease type 2. Last evaluated: 2025-02-11. Review status: criteria provided, single submitter. Criteria: Invitae Variant Classification Sherloc (09022015). Collection method: clinical testing. Allele origin: germline.
Comment: This variant, c.94_96del, results in the deletion of 1 amino acid(s) of the LMNA protein (p.Lys32del), but otherwise preserves the integrity of the reading frame. This variant is not present in population databases (gnomAD no frequency). This variant has been observed in individual(s) with Emery-Dreifuss muscular dystrophy (EDMD), congenital muscular dystrophy, and inflammatory myopathy (PMID: 12467752, 15372542, 17377071, 18551513, 20980393, 21632249, 24806962, 26098624, 27600705). In at least one individual the variant was observed to be de novo. ClinVar contains an entry for this variant (Variation ID: 66960). Algorithms developed to predict the effect of variants on gene product structure and function are not available or were not evaluated for this variant. Experimental studies have shown that this variant affects LMNA function (PMID: 15372542, 21653823, 22090424, 23427149, 24806962). For these reasons, this variant has been classified as Pathogenic.

Genomic Medicine Center of Excellence, King Faisal Specialist Hospital and Research Centre
Classification: Pathogenic for Congenital muscular dystrophy due to LMNA mutation. Last evaluated: 2024-09-22. Review status: criteria provided, single submitter. Criteria: ACMG Guidelines, 2015. Collection method: clinical testing. Allele origin: germline.

Eurofins Ntd Llc (ga)
Classification: Pathogenic. Last evaluated: 2016-02-04. Review status: criteria provided, single submitter. Criteria: EGL Classification Definitions 2015. Collection method: clinical testing. Allele origin: germline. Observed: 3 variant alleles, 3 heterozygotes.

OMIM
Classification: Pathogenic for MUSCULAR DYSTROPHY, CONGENITAL, LMNA-RELATED. Last evaluated: 2005-08-01. Review status: no assertion criteria provided. Collection method: literature only. Allele origin: germline. Not counted in ClinVar's aggregate classification.

Epithelial Biology;  Institute of Medical Biology, Singapore
No classification provided. Review status: no classification provided. Collection method: not provided. Allele origin: not provided. Not counted in ClinVar's aggregate classification.

Literature cited by the submitters: PubMed 20980393 (cited by Rady Children's Institute for Genomic Medicine, Rady Children's Hospital San Diego and Labcorp Genetics (formerly Invitae), Labcorp); PubMed 21653823 (cited by Rady Children's Institute for Genomic Medicine, Rady Children's Hospital San Diego and Labcorp Genetics (formerly Invitae), Labcorp); PubMed 24806962 (cited by Rady Children's Institute for Genomic Medicine, Rady Children's Hospital San Diego and Labcorp Genetics (formerly Invitae), Labcorp); PubMed 26098624 (cited by Rady Children's Institute for Genomic Medicine, Rady Children's Hospital San Diego and Labcorp Genetics (formerly Invitae), Labcorp); PubMed 12467752 (cited by Labcorp Genetics (formerly Invitae), Labcorp); PubMed 15372542 (cited by Labcorp Genetics (formerly Invitae), Labcorp); PubMed 17377071 (cited by Labcorp Genetics (formerly Invitae), Labcorp); PubMed 18551513 (cited by Labcorp Genetics (formerly Invitae), Labcorp); PubMed 21632249 (cited by Labcorp Genetics (formerly Invitae), Labcorp); PubMed 27600705 (cited by Labcorp Genetics (formerly Invitae), Labcorp); PubMed 22090424 (cited by Labcorp Genetics (formerly Invitae), Labcorp); PubMed 23427149 (cited by Labcorp Genetics (formerly Invitae), Labcorp); PubMed 15961312 (cited by OMIM).

NM_170707.4(LMNA):c.94_96del (p.Lys32del)

Genes: LMNA (lamin A/C; plus strand), LOC129931597 (ATAC-STARR-seq lymphoblastoid silent region 1421; plus strand). Cytogenetic location: 1q22.
Variant type: Deletion.
Coding change: c.94_96del on transcript NM_170707.4 (MANE Select); coding-DNA positions 94 to 96, 3 bases deleted (AAG; older notation c.94_96delAAG).
Protein change: p.Lys32del; deletes lysine 32.
Molecular consequence: inframe deletion.
Genome position (GRCh38, 1-based): chr1:156,115,012-156,115,014, AAG deleted; deleting any 3 consecutive bases within chr1:156,115,010-156,115,014 gives the same sequence; the c. name uses the placement nearest the transcript's 3' end. VCF-style (leftmost placement, unchanged base first): chr1-156115009-GAGA-G. GRCh37 (hg19) VCF-style: chr1-156084800-GAGA-G.
Other names: c.94_96del (NM_170707.3); c.94_96del, p.Lys32del (NM_001282625.2, NM_001282626.2, NM_005572.4 and 1 more transcripts); short protein forms K32del.
Identifiers: ClinVar variation 66960 (VCV000066960.16), dbSNP rs60872029, ClinGen allele CA018871.